The following is an entry in ClinVar:

NM_001367561.1(DOCK7):c.6146C>A (p.Pro2049His)

Gene: DOCK7 (dedicator of cytokinesis 7; minus strand). Cytogenetic location: 1p31.3.
Variant type: single nucleotide variant.
Coding change: c.6146C>A on transcript NM_001367561.1 (MANE Select); coding-DNA position 6146, C replaced by A.
Protein change: p.Pro2049His; replaces proline 2049 with histidine.
Molecular consequence: missense variant.
Genome position (GRCh38, 1-based): chr1:62,474,048, G>T on the plus strand (C>A on the coding strand, the complement: DOCK7 is on the minus strand). VCF-style: chr1-62474048-G-T. GRCh37 (hg19) VCF-style: chr1-62939719-G-T.
Other names: c.6113C>A, p.Pro2038His (NM_001271999.2); c.6026C>A, p.Pro2009His (NM_001272000.2); c.6020C>A, p.Pro2007His (NM_001272001.2); c.6119C>A, p.Pro2040His (NM_001330614.2); c.6053C>A, p.Pro2018His (NM_033407.4); short protein forms P2009H, P2038H, P2007H, P2018H, P2040H, P2049H.
Identifiers: ClinVar variation 2109160 (VCV002109160.4), dbSNP rs1645904828, ClinGen allele CA340601727.
Genomic context (GRCh38, chr1:62,474,048, plus strand): 5'-GTAAAATCTTTAAAGCAGAGTCGCAGTTTATTATGATGTCTGAAGAGCTTTGGGTCACTA[G>T]GTATTTCAGACAGAAAAACCTGGGCAACTTCCAAAGGCCCCTGCAAAATAAGAAAATAAG-3'
Protein context (NP_001354490.1, residues 2039-2059): EVAQVFLSEI[Pro2049His]SDPKLFRHHN

ClinVar aggregate classification (germline): Uncertain significance (1 of 4 stars; one submission).

Conditions:
Developmental and epileptic encephalopathy, 23 (DEE23). Also called: Epileptic encephalopathy, early infantile, 23. Identifiers: Orphanet 411986, MedGen C4014492, MONDO:0014371, OMIM 615859.

Submission:

Labcorp Genetics (formerly Invitae), Labcorp
Classification: Uncertain significance for Developmental and epileptic encephalopathy, 23. Last evaluated: 2022-03-11. Review status: criteria provided, single submitter. Criteria: Invitae Variant Classification Sherloc (09022015). Collection method: clinical testing. Allele origin: germline.
Comment: In summary, the available evidence is currently insufficient to determine the role of this variant in disease. Therefore, it has been classified as a Variant of Uncertain Significance. Algorithms developed to predict the effect of missense changes on protein structure and function are either unavailable or do not agree on the potential impact of this missense change (SIFT: "Deleterious"; PolyPhen-2: "Possibly Damaging"; Align-GVGD: "Class C0"). This variant has not been reported in the literature in individuals affected with DOCK7-related conditions. This variant is not present in population databases (gnomAD no frequency). This sequence change replaces proline, which is neutral and non-polar, with histidine, which is basic and polar, at codon 2038 of the DOCK7 protein (p.Pro2038His).